The following is an entry in ClinVar:

ClinVar aggregate classification (germline): Uncertain significance. Review status: criteria provided, multiple submitters, no conflicts (2 of 4 stars). 3 submissions from 3 submitters: Uncertain significance (2). 1 of the submissions does not count toward it. Last evaluated 2024-02-28.

Conditions:
NOTCH2-related disorder. Also called: NOTCH2-related condition.
Hajdu-Cheney syndrome (HJCYS). Also called: Acroosteolysis dominant type; ACROOSTEOLYSIS WITH OSTEOPOROSIS AND CHANGES IN SKULL AND MANDIBLE; SERPENTINE FIBULA-POLYCYSTIC KIDNEY SYNDROME. Identifiers: Orphanet 955, MedGen C0917715, MONDO:0007057, OMIM 102500.
Alagille syndrome due to a NOTCH2 point mutation. Also called: Alagille syndrome 2. Identifiers: Orphanet 261629, Orphanet 52, MedGen C1857761, MONDO:0012439, OMIM 610205.

Allele frequency attached by ClinVar (database versions not stated): gnomAD 0.00001; TOPMed 0.00002.
gnomAD v4.1: 18 of 1,613,690 alleles (0.0011%); highest among the groups gnomAD compares: South Asian, 0.0033%; no homozygotes.

Submissions (3):

Fulgent Genetics
Classification: Uncertain significance for Hajdu-Cheney syndrome; Alagille syndrome due to a NOTCH2 point mutation. Last evaluated: 2024-02-28. Review status: criteria provided, single submitter. Criteria: ACMG Guidelines, 2015. Collection method: clinical testing. Allele origin: germline.

Labcorp Genetics (formerly Invitae), Labcorp
Classification: Uncertain significance for Hajdu-Cheney syndrome. Last evaluated: 2022-07-23. Review status: criteria provided, single submitter. Criteria: Invitae Variant Classification Sherloc (09022015). Collection method: clinical testing. Allele origin: germline.
Comment: This sequence change replaces arginine, which is basic and polar, with tryptophan, which is neutral and slightly polar, at codon 1875 of the NOTCH2 protein (p.Arg1875Trp). This variant is present in population databases (rs755328078, gnomAD 0.005%). This variant has not been reported in the literature in individuals affected with NOTCH2-related conditions. Advanced modeling of protein sequence and biophysical properties (such as structural, functional, and spatial information, amino acid conservation, physicochemical variation, residue mobility, and thermodynamic stability) performed at Invitae indicates that this missense variant is not expected to disrupt NOTCH2 protein function. In summary, the available evidence is currently insufficient to determine the role of this variant in disease. Therefore, it has been classified as a Variant of Uncertain Significance.

PreventionGenetics, part of Exact Sciences
Classification: Uncertain significance for NOTCH2-related condition. Last evaluated: 2024-08-20. Review status: no assertion criteria provided. Collection method: clinical testing. Allele origin: germline. Not counted in ClinVar's aggregate classification.
Comment: The NOTCH2 c.5623C>T variant is predicted to result in the amino acid substitution p.Arg1875Trp. To our knowledge, this variant has not been reported in the literature in individuals with NOTCH2-related disorders. This variant is reported in 0.0035% of alleles in individuals of European (Non-Finnish) descent in gnomAD. At this time, the clinical significance of this variant is uncertain due to the absence of conclusive functional and genetic evidence.

NM_024408.4(NOTCH2):c.5623C>T (p.Arg1875Trp)

Gene: NOTCH2 (notch receptor 2; minus strand). Cytogenetic location: 1p12.
Variant type: single nucleotide variant.
Coding change: c.5623C>T on transcript NM_024408.4 (MANE Select); coding-DNA position 5623, C replaced by T.
Protein change: p.Arg1875Trp; replaces arginine 1875 with tryptophan.
Molecular consequence: missense variant.
Genome position (GRCh38, 1-based): chr1:119,919,470, G>A on the plus strand (C>T on the coding strand, the complement: NOTCH2 is on the minus strand). VCF-style: chr1-119919470-G-A. GRCh37 (hg19) VCF-style: chr1-120462093-G-A.
Other names: c.5623C>T (NM_024408.3); short protein forms R1875W.
Identifiers: ClinVar variation 2158359 (VCV002158359.6), dbSNP rs755328078, ClinGen allele CA1039593.